The following is an entry in ClinVar:

NM_000263.4(NAGLU):c.1336del (p.Glu446fs)

Gene: NAGLU (N-acetyl-alpha-glucosaminidase; plus strand). Cytogenetic location: 17q21.2.
Variant type: Deletion.
Coding change: c.1336del on transcript NM_000263.4 (MANE Select); coding-DNA position 1336, one base deleted (G; older notation c.1336delG).
Protein change: p.Glu446fs; shifts the reading frame from glutamic acid 446.
Molecular consequence: frameshift variant.
Genome position (GRCh38, 1-based): chr17:42,543,342, G deleted. VCF-style (leftmost placement, unchanged base first): chr17-42543341-CG-C. GRCh37 (hg19) VCF-style: chr17-40695359-CG-C.
Other names: short protein forms E446fs.
Identifiers: ClinVar variation 1456581 (VCV001456581.8), dbSNP rs2143109467, ClinGen allele CA2573153973.

ClinVar aggregate classification (germline): Pathogenic (1 of 4 stars; one submission).

Conditions:
Mucopolysaccharidosis, MPS-III-B (MPS3B). Also called: N-ACETYL-ALPHA-D-GLUCOSAMINIDASE DEFICIENCY; NAGLU DEFICIENCY; SANFILIPPO SYNDROME B; MPS III B; MPS IIIB (Sanfilippo Syndrome Type B); MUCOPOLYSACCHARIDOSIS, TYPE IIIB. Identifiers: Orphanet 79270, MedGen C0086648, MONDO:0009656, OMIM 252920.
Charcot-Marie-Tooth disease axonal type 2V. Also called: CHARCOT-MARIE-TOOTH NEUROPATHY, TYPE 2V; CHARCOT-MARIE-TOOTH DISEASE, AXONAL, AUTOSOMAL DOMINANT, TYPE 2V. Identifiers: Orphanet 447964, MedGen C5569050, MONDO:0014665, OMIM 616491.

Submission:

Labcorp Genetics (formerly Invitae), Labcorp
Classification: Pathogenic for Charcot-Marie-Tooth disease axonal type 2V; Mucopolysaccharidosis, MPS-III-B. Last evaluated: 2020-12-31. Review status: criteria provided, single submitter. Criteria: Invitae Variant Classification Sherloc (09022015). Collection method: clinical testing. Allele origin: germline.
Comment: For these reasons, this variant has been classified as Pathogenic. This variant disrupts the C-terminus of the NAGLU protein. Other variant(s) that disrupt this region (p.Arg626*) have been determined to be pathogenic (PMID: 9832037, 8650226, 10094189). This suggests that variants that disrupt this region of the protein are likely to be causative of disease. This frameshift has been observed in individual(s) with mucopolysaccharidosis type III (PMID: 9832037). This variant is not present in population databases (ExAC no frequency). This sequence change creates a premature translational stop signal (p.Glu446Argfs*30) in the NAGLU gene. While this is not anticipated to result in nonsense mediated decay, it is expected to disrupt the last 298 amino acid(s) of the NAGLU protein.

Literature cited by the submitters: PubMed 9832037; PubMed 8650226; PubMed 10094189.